The following is an entry in ClinVar:

NM_002693.3(POLG):c.1590C>T (p.Leu530=)

Gene: POLG (DNA polymerase gamma, catalytic subunit; minus strand). Cytogenetic location: 15q26.1.
Variant type: single nucleotide variant.
Coding change: c.1590C>T on transcript NM_002693.3 (MANE Select); coding-DNA position 1590, C replaced by T.
Protein change: p.Leu530=; no amino-acid change (leucine 530 retained).
Molecular consequence: synonymous variant.
Genome position (GRCh38, 1-based): chr15:89,326,734, G>A on the plus strand (C>T on the coding strand, the complement: POLG is on the minus strand). VCF-style: chr15-89326734-G-A. GRCh37 (hg19) VCF-style: chr15-89869965-G-A.
Other names: c.1590C>T, p.Leu530= (NM_001126131.2).
Identifiers: ClinVar variation 458689 (VCV000458689.13), dbSNP rs141422952, ClinGen allele CA7724754.

ClinVar aggregate classification (germline): Likely benign. Review status: criteria provided, multiple submitters, no conflicts (2 of 4 stars). 3 submissions from 3 submitters: Likely benign (3). Last evaluated 2025-10-23.

Conditions:
POLG-related disorder. Also called: POLG-related condition; POLG-Related Disorders; POLG-Related Spectrum Disorders. Identifiers: MedGen C4763519.
Progressive sclerosing poliodystrophy (MTDPS4A). Also called: Alpers-Huttenlocher Syndrome (AHS); ALPERS PROGRESSIVE INFANTILE POLIODYSTROPHY; NEURONAL DEGENERATION OF CHILDHOOD WITH LIVER DISEASE, PROGRESSIVE; ALPERS DIFFUSE DEGENERATION OF CEREBRAL GRAY MATTER WITH HEPATIC CIRRHOSIS; Alpers-Huttenlocher Syndrome; Alpers Syndrome. Identifiers: Orphanet 726, MedGen C0205710, MONDO:0008758, OMIM 203700.

Allele frequency attached by ClinVar (database versions not stated): gnomAD exomes 0.00001 and 0.00004; gnomAD 0.00002; TOPMed 0.00002; ExAC 0.00006; ESP Exome Variant Server 0.00015.
gnomAD v4.1: 22 of 1,613,896 alleles (0.0014%); highest among the groups gnomAD compares: South Asian, 0.0022%; no homozygotes.

Submissions (3):

PreventionGenetics, part of Exact Sciences
Classification: Likely benign for POLG-related condition. Last evaluated: 2025-10-23. Review status: criteria provided, single submitter. Criteria: ACMG Guidelines, 2015. Collection method: clinical testing. Allele origin: germline.
Comment: This variant is classified as likely benign based on ACMG/AMP sequence variant interpretation guidelines (Richards et al. 2015 PMID: 25741868, with internal and published modifications).

Labcorp Genetics (formerly Invitae), Labcorp
Classification: Likely benign for Progressive sclerosing poliodystrophy. Last evaluated: 2025-10-13. Review status: criteria provided, single submitter. Criteria: Invitae Variant Classification Sherloc (09022015). Collection method: clinical testing. Allele origin: germline.

Blueprint Genetics
Classification: Likely benign. Last evaluated: 2024-05-19. Review status: criteria provided, single submitter. Criteria: ACMG Guidelines, 2015. Collection method: clinical testing. Allele origin: germline.